The following is an entry in ClinVar:

NM_000257.4(MYH7):c.5281G>A (p.Asp1761Asn)

Genes: MYH7 (myosin heavy chain 7; minus strand), LOC126861897 (BRD4-independent group 4 enhancer GRCh37_chr14:23884455-23885654; plus strand). Cytogenetic location: 14q11.2.
Variant type: single nucleotide variant.
Coding change: c.5281G>A on transcript NM_000257.4 (MANE Select); coding-DNA position 5281, G replaced by A.
Protein change: p.Asp1761Asn; replaces aspartic acid 1761 with asparagine.
Molecular consequence: missense variant.
Genome position (GRCh38, 1-based): chr14:23,415,383, C>T on the plus strand (G>A on the coding strand, the complement: MYH7 is on the minus strand). VCF-style: chr14-23415383-C-T. GRCh37 (hg19) VCF-style: chr14-23884592-C-T.
Other names: c.5281G>A (NM_000257.3, NM_000257.2); short protein forms D1761N.
Identifiers: ClinVar variation 1473598 (VCV001473598.10), dbSNP rs1306082414, ClinGen allele CA389036050.

ClinVar aggregate classification (germline): Uncertain significance. Review status: criteria provided, multiple submitters, no conflicts (2 of 4 stars). 4 submissions from 4 submitters: Uncertain significance (4). Last evaluated 2025-05-09.

Conditions:
Cardiovascular phenotype. Identifiers: MedGen CN230736.
Hypertrophic cardiomyopathy. Also called: HYPERTROPHIC MYOCARDIOPATHY. Identifiers: Orphanet 217569, MedGen C0007194, MeSH D002312, MONDO:0005045, HP:0001639.

Allele frequency attached by ClinVar (database versions not stated): gnomAD exomes below 0.00001.
gnomAD v4.1: 1 of 1,614,226 alleles (0.000062%); highest among the groups gnomAD compares: Non-Finnish European, 0.000085%; no homozygotes.

Submissions (4):

Ambry Genetics
Classification: Uncertain significance for Cardiovascular phenotype. Last evaluated: 2025-05-09. Review status: criteria provided, single submitter. Criteria: Ambry Variant Classification Scheme 2023. Collection method: clinical testing. Allele origin: germline.
Comment: The p.D1761N variant (also known as c.5281G>A), located in coding exon 34 of the MYH7 gene, results from a G to A substitution at nucleotide position 5281. The aspartic acid at codon 1761 is replaced by asparagine, an amino acid with highly similar properties. This variant was reported in individual(s) with features consistent with MYH7-related cardiomyopathy (Janin A et al. Mol Diagn Ther, 2021 May;25:373-385). This amino acid position is highly conserved in available vertebrate species. In addition, this alteration is predicted to be tolerated by in silico analysis. Based on the available evidence, the clinical significance of this variant remains unclear.

GeneDx
Classification: Uncertain significance. Last evaluated: 2024-02-29. Review status: criteria provided, single submitter. Criteria: GeneDx Variant Classification Process June 2021. Collection method: clinical testing. Allele origin: germline. Affected: yes.
Comment: Not observed in large population cohorts (gnomAD); In silico analysis supports that this missense variant has a deleterious effect on protein structure/function; Has not been previously published as pathogenic or benign to our knowledge

Women's Health and Genetics/Laboratory Corporation of America, LabCorp
Classification: Uncertain significance. Last evaluated: 2023-03-07. Review status: criteria provided, single submitter. Criteria: LabCorp Variant Classification Summary - May 2015. Collection method: clinical testing. Allele origin: germline.
Comment: Variant summary: MYH7 c.5281G>A (p.Asp1761Asn) results in a conservative amino acid change located in the Myosin tail (IPR002928) of the encoded protein sequence. Four of five in-silico tools predict a damaging effect of the variant on protein function. The variant was absent in 251488 control chromosomes. The available data on variant occurrences in the general population are insufficient to allow any conclusion about variant significance. To our knowledge, no occurrence of c.5281G>A in individuals affected with Cardiomyopathy and no experimental evidence demonstrating its impact on protein function have been reported. One submitter has provided a clinical-significance assessment for this variant to ClinVar after 2014, and classified the variant as uncertain significance. Based on the evidence outlined above, the variant was classified as uncertain significance.

Labcorp Genetics (formerly Invitae), Labcorp
Classification: Uncertain significance for Hypertrophic cardiomyopathy. Last evaluated: 2022-03-08. Review status: criteria provided, single submitter. Criteria: Invitae Variant Classification Sherloc (09022015). Collection method: clinical testing. Allele origin: germline.
Comment: This sequence change replaces aspartic acid, which is acidic and polar, with asparagine, which is neutral and polar, at codon 1761 of the MYH7 protein (p.Asp1761Asn). This variant is not present in population databases (gnomAD no frequency). This variant has not been reported in the literature in individuals affected with MYH7-related conditions. Algorithms developed to predict the effect of missense changes on protein structure and function are either unavailable or do not agree on the potential impact of this missense change (SIFT: "Deleterious"; PolyPhen-2: "Probably Damaging"; Align-GVGD: "Class C0"). In summary, the available evidence is currently insufficient to determine the role of this variant in disease. Therefore, it has been classified as a Variant of Uncertain Significance.

Literature cited by the submitters: PubMed 33954932 (cited by Ambry Genetics).